The following is an entry in ClinVar:

ClinVar aggregate classification (germline): Likely pathogenic (1 of 4 stars; one submission).

Conditions:
Niemann-Pick disease, type C1. Also called: NEUROVISCERAL STORAGE DISEASE WITH VERTICAL SUPRANUCLEAR OPHTHALMOPLEGIA; NIEMANN-PICK DISEASE WITH CHOLESTEROL ESTERIFICATION BLOCK; NIEMANN-PICK DISEASE WITHOUT SPHINGOMYELINASE DEFICIENCY; NIEMANN-PICK DISEASE, CHRONIC NEURONOPATHIC FORM; NIEMANN-PICK DISEASE, VARIANT TYPE C1. Identifiers: Orphanet 646, MedGen C3179455, MONDO:0009757, OMIM 257220.

Submission:

Labcorp Genetics (formerly Invitae), Labcorp
Classification: Likely pathogenic for Niemann-Pick disease, type C1. Last evaluated: 2024-03-14. Review status: criteria provided, single submitter. Criteria: Invitae Variant Classification Sherloc (09022015). Collection method: clinical testing. Allele origin: germline.
Comment: This sequence change replaces leucine, which is neutral and non-polar, with valine, which is neutral and non-polar, at codon 1191 of the NPC1 protein (p.Leu1191Val). This variant is not present in population databases (gnomAD no frequency). This variant has not been reported in the literature in individuals affected with NPC1-related conditions. Advanced modeling of protein sequence and biophysical properties (such as structural, functional, and spatial information, amino acid conservation, physicochemical variation, residue mobility, and thermodynamic stability) performed at Invitae indicates that this missense variant is expected to disrupt NPC1 protein function with a positive predictive value of 95%. This variant disrupts the p.Leu1191 amino acid residue in NPC1. Other variant(s) that disrupt this residue have been determined to be pathogenic (PMID: 19252935, 23430855). This suggests that this residue is clinically significant, and that variants that disrupt this residue are likely to be disease-causing. In summary, the currently available evidence indicates that the variant is pathogenic, but additional data are needed to prove that conclusively. Therefore, this variant has been classified as Likely Pathogenic.

Literature cited by the submitters: PubMed 19252935; PubMed 23430855.

NM_000271.5(NPC1):c.3571C>G (p.Leu1191Val)

Gene: NPC1 (NPC intracellular cholesterol transporter 1; minus strand). Cytogenetic location: 18q11.2.
Variant type: single nucleotide variant.
Coding change: c.3571C>G on transcript NM_000271.5 (MANE Select); coding-DNA position 3571, C replaced by G.
Protein change: p.Leu1191Val; replaces leucine 1191 with valine.
Molecular consequence: missense variant.
Genome position (GRCh38, 1-based): chr18:23,534,466, G>C on the plus strand (C>G on the coding strand, the complement: NPC1 is on the minus strand). VCF-style: chr18-23534466-G-C. GRCh37 (hg19) VCF-style: chr18-21114430-G-C.
Other names: short protein forms L1191V.
Identifiers: ClinVar variation 3012807 (VCV003012807.3), dbSNP rs2511183420, ClinGen allele CA401790905.